The following is an entry in ClinVar:

ClinVar aggregate classification (germline): Uncertain significance. Review status: criteria provided, multiple submitters, no conflicts (2 of 4 stars). 2 submissions from 2 submitters: Uncertain significance (2). Last evaluated 2025-11-11.

Conditions:
Stormorken syndrome (STRMK). Also called: THROMBOCYTOPATHY, ASPLENIA, AND MIOSIS. Identifiers: Orphanet 3204, MedGen C1861451, MONDO:0008497, OMIM 185070.
Combined immunodeficiency due to STIM1 deficiency. Also called: STIM1 DEFICIENCY; IMMUNODEFICIENCY 10. Identifiers: Orphanet 169090, Orphanet 317430, MedGen C2748557, MONDO:0013008, OMIM 612783.
Myopathy with tubular aggregates (TAM). Also called: Tubular Aggregate Myopathy. Identifiers: Orphanet 2593, MedGen C0410207, MONDO:0008051.

Allele frequency attached by ClinVar (database versions not stated): gnomAD exomes below 0.00001; gnomAD 0.00001; TOPMed 0.00002.
gnomAD v4.1: 8 of 1,614,078 alleles (0.0005%); highest among the groups gnomAD compares: East Asian, 0.0022%; no homozygotes.

Submissions (2):

Labcorp Genetics (formerly Invitae), Labcorp
Classification: Uncertain significance for Myopathy with tubular aggregates; Combined immunodeficiency due to STIM1 deficiency; Stormorken syndrome. Last evaluated: 2025-11-11. Review status: criteria provided, single submitter. Criteria: Invitae Variant Classification Sherloc (09022015). Collection method: clinical testing. Allele origin: germline.
Comment: This sequence change creates a premature translational stop signal (p.Arg640*) in the STIM1 gene. While this is not anticipated to result in nonsense mediated decay, it is expected to disrupt the last 46 amino acid(s) of the STIM1 protein. This variant is not present in population databases (gnomAD no frequency). This variant has not been reported in the literature in individuals affected with STIM1-related conditions. ClinVar contains an entry for this variant (Variation ID: 1473945). Experimental studies and prediction algorithms are not available or were not evaluated, and the functional significance of this variant is currently unknown. In summary, the available evidence is currently insufficient to determine the role of this variant in disease. Therefore, it has been classified as a Variant of Uncertain Significance.

GeneDx
Classification: Uncertain significance. Last evaluated: 2024-04-24. Review status: criteria provided, single submitter. Criteria: GeneDx Variant Classification Process June 2021. Collection method: clinical testing. Allele origin: germline. Affected: yes.
Comment: Nonsense variant predicted to result in protein truncation as the last 46 amino acids are lost, although loss-of-function variants have not been reported downstream of this position in the protein; Not observed at significant frequency in large population cohorts (gnomAD); Has not been previously published as pathogenic or benign to our knowledge

NM_001382567.1(STIM1):c.2011C>T (p.Arg671Ter)

Genes: STIM1 (stromal interaction molecule 1; plus strand), LOC124418421 (Sharpr-MPRA regulatory region 9588; plus strand). Cytogenetic location: 11p15.4.
Variant type: single nucleotide variant.
Coding change: c.2011C>T on transcript NM_001382567.1 (MANE Select); coding-DNA position 2011, C replaced by T.
Protein change: p.Arg671Ter; replaces arginine 671 with a stop codon.
Molecular consequence: nonsense. On other transcripts: 3 prime UTR variant (4), non-coding transcript variant (3).
Genome position (GRCh38, 1-based): chr11:4,091,658, C>T. VCF-style: chr11-4091658-C-T. GRCh37 (hg19) VCF-style: chr11-4112888-C-T.
Other names: c.1918C>T (NM_003156.3); c.2236C>T, p.Arg746Ter (NM_001277961.3); c.*332C>T (NM_001277962.2, NM_001382578.1, NM_001382579.1 and 1 more transcripts); c.2014C>T, p.Arg672Ter (NM_001382566.1); c.1939C>T, p.Arg647Ter (NM_001382568.1); c.1783C>T, p.Arg595Ter (NM_001382569.1); c.1690C>T, p.Arg564Ter (NM_001382570.1); c.1438C>T, p.Arg480Ter (NM_001382571.1); and 3 more; short protein forms R566*, R480*, R647*, R746*, R595*, R671*, R672*, R477*.
Identifiers: ClinVar variation 1473945 (VCV001473945.7), dbSNP rs930699942, ClinGen allele CA216534234.